The following is an entry in ClinVar:

ClinVar aggregate classification (germline): Benign (0 of 4 stars; one submission).

Conditions:
THBS2-related disorder. Also called: THBS2-related condition.

Allele frequency attached by ClinVar (database versions not stated): 1000 Genomes Project 30x 0.00031; 1000 Genomes Project 0.00040; gnomAD 0.00047; TOPMed 0.00047; ESP Exome Variant Server 0.00062; ExAC 0.00065.
gnomAD v4.1: 749 of 1,614,166 alleles (0.046%); highest among the groups gnomAD compares: South Asian, 0.046%; 7 homozygotes.

Submission:

PreventionGenetics, part of Exact Sciences
Classification: Benign for THBS2-related condition. Last evaluated: 2019-11-12. Review status: no assertion criteria provided. Collection method: clinical testing. Allele origin: germline.
Comment: This variant is classified as benign based on ACMG/AMP sequence variant interpretation guidelines (Richards et al. 2015 PMID: 25741868, with internal and published modifications).

NM_003247.5(THBS2):c.2488G>A (p.Gly830Ser)

Genes: THBS2 (thrombospondin 2; minus strand), THBS2-AS1 (THBS2 antisense RNA 1; plus strand). Cytogenetic location: 6q27.
Variant type: single nucleotide variant.
Coding change: c.2488G>A on transcript NM_003247.5 (MANE Select); coding-DNA position 2488, G replaced by A.
Protein change: p.Gly830Ser; replaces glycine 830 with serine.
Molecular consequence: missense variant. On other transcripts: non-coding transcript variant (2).
Genome position (GRCh38, 1-based): chr6:169,226,230, C>T on the plus strand (G>A on the coding strand, the complement: THBS2 is on the minus strand). VCF-style: chr6-169226230-C-T. GRCh37 (hg19) VCF-style: chr6-169626325-C-T.
Other names: c.2314G>A, p.Gly772Ser (NM_001381939.1); c.2257G>A, p.Gly753Ser (NM_001381942.1); short protein forms G753S, G772S, G830S.
Identifiers: ClinVar variation 3046149 (VCV003046149.2), dbSNP rs145039765, ClinGen allele CA4102954.